The following is an entry in ClinVar:

ClinVar aggregate classification (germline): Uncertain significance (1 of 4 stars; one submission).

Conditions:
SCLT1-related disorder. Also called: SCLT1-related condition.

gnomAD v4.1: 11 of 1,611,170 alleles (0.00068%); highest among the groups gnomAD compares: South Asian, 0.0022%; no homozygotes.

Submission:

PreventionGenetics, part of Exact Sciences
Classification: Uncertain significance for SCLT1-related condition. Last evaluated: 2026-08-27. Review status: criteria provided, single submitter. Criteria: ACMG Guidelines, 2015. Collection method: clinical testing. Allele origin: germline.
Comment: The SCLT1 c.1724T>C variant is predicted to result in the amino acid substitution p.Val575Ala. To our knowledge, this variant has not been reported in the literature. This variant is reported in 0.0033% of alleles in individuals of South Asian descent in gnomAD. At this time, the clinical significance of this variant is uncertain due to the absence of conclusive functional and genetic evidence.

NM_144643.4(SCLT1):c.1724T>C (p.Val575Ala)

Gene: SCLT1 (sodium channel and clathrin linker 1; minus strand). Cytogenetic location: 4q28.2.
Variant type: single nucleotide variant.
Coding change: c.1724T>C on transcript NM_144643.4 (MANE Select); coding-DNA position 1724, T replaced by C.
Protein change: p.Val575Ala; replaces valine 575 with alanine.
Molecular consequence: missense variant. On other transcripts: 3 prime UTR variant (1).
Genome position (GRCh38, 1-based): chr4:128,936,760, A>G on the plus strand (T>C on the coding strand, the complement: SCLT1 is on the minus strand). VCF-style: chr4-128936760-A-G. GRCh37 (hg19) VCF-style: chr4-129857915-A-G.
Other names: c.*61T>C (NM_001410807.1); short protein forms V575A.
Identifiers: ClinVar variation 4989301 (VCV004989301.1).